The following is an entry in ClinVar:

ClinVar aggregate classification (germline): Uncertain significance. Review status: criteria provided, multiple submitters, no conflicts (2 of 4 stars). 3 submissions from 3 submitters: Uncertain significance (3). Last evaluated 2026-03-18.

Conditions:
Cardiomyopathy (CMYO). Also called: Cardiomyopathies. Identifiers: Orphanet 167848, MedGen C0878544, MONDO:0004994, HP:0001638. Inheritance: Various modes of inheritance.

Allele frequency attached by ClinVar (database versions not stated): TOPMed 0.00002; gnomAD 0.00002; ExAC 0.00002; gnomAD exomes 0.00001.
gnomAD v4.1: 15 of 1,612,680 alleles (0.00093%); highest among the groups gnomAD compares: Non-Finnish European, 0.0011%; no homozygotes.

Submissions (3):

GeneDx
Classification: Uncertain significance. Last evaluated: 2026-03-18. Review status: criteria provided, single submitter. Criteria: GeneDx Variant Classification Process June 2021. Collection method: clinical testing. Allele origin: germline.
Comment: Not observed at significant frequency in large population cohorts (gnomAD); In silico analysis suggests that this missense variant does not alter protein structure/function; Has not been previously published as pathogenic or benign to our knowledge

Ambry Genetics
Classification: Uncertain significance. Last evaluated: 2025-10-27. Review status: criteria provided, single submitter. Criteria: Ambry Variant Classification Scheme 2023. Collection method: clinical testing. Allele origin: germline.
Comment: The p.D122H variant (also known as c.364G>C), located in coding exon 2 of the MYLK2 gene, results from a G to C substitution at nucleotide position 364. The aspartic acid at codon 122 is replaced by histidine, an amino acid with similar properties. This amino acid position is conserved. In addition, this alteration is predicted to be tolerated by in silico analysis. Since supporting evidence is limited at this time, the clinical significance of this alteration remains unclear.

CHEO Genetics Diagnostic Laboratory, Children's Hospital of Eastern Ontario
Classification: Uncertain significance for Cardiomyopathy. Last evaluated: 2016-03-18. Review status: criteria provided, single submitter. Criteria: ACMG Guidelines, 2015. Collection method: clinical testing. Allele origin: germline. Study: Canadian Open Genetics Repository.

NM_033118.4(MYLK2):c.364G>C (p.Asp122His)

Gene: MYLK2 (myosin light chain kinase 2; plus strand). Cytogenetic location: 20q11.21.
Variant type: single nucleotide variant.
Coding change: c.364G>C on transcript NM_033118.4 (MANE Select); coding-DNA position 364, G replaced by C.
Protein change: p.Asp122His; replaces aspartic acid 122 with histidine.
Molecular consequence: missense variant.
Genome position (GRCh38, 1-based): chr20:31,820,437, G>C. VCF-style: chr20-31820437-G-C. GRCh37 (hg19) VCF-style: chr20-30408240-G-C.
Other names: short protein forms D122H.
Identifiers: ClinVar variation 626847 (VCV000626847.8), dbSNP rs748134754, ClinGen allele CA9802900.